The following is an entry in ClinVar:

NM_181882.3(PRX):c.4303G>A (p.Val1435Met)

Gene: PRX (periaxin; minus strand). Cytogenetic location: 19q13.2.
Variant type: single nucleotide variant.
Coding change: c.4303G>A on transcript NM_181882.3 (MANE Select); coding-DNA position 4303, G replaced by A.
Protein change: p.Val1435Met; replaces valine 1435 with methionine.
Molecular consequence: missense variant. On other transcripts: 3 prime UTR variant (1).
Genome position (GRCh38, 1-based): chr19:40,394,049, C>T on the plus strand (G>A on the coding strand, the complement: PRX is on the minus strand). VCF-style: chr19-40394049-C-T. GRCh37 (hg19) VCF-style: chr19-40899956-C-T.
Other names: c.4588G>A, p.Val1530Met (NM_001411127.1); c.*4508G>A (NM_020956.2); short protein forms V1435M, V1530M.
Identifiers: ClinVar variation 1739573 (VCV001739573.2), dbSNP rs1381516933, ClinGen allele CA405889806.

ClinVar aggregate classification (germline): Uncertain significance (1 of 4 stars; one submission).

Conditions:
Inborn genetic diseases. Identifiers: MedGen C0950123, MeSH D030342.

Allele frequency attached by ClinVar (database versions not stated): gnomAD 0.00001.

Submission:

Ambry Genetics
Classification: Uncertain significance for Inborn genetic diseases. Last evaluated: 2021-11-04. Review status: criteria provided, single submitter. Criteria: Ambry Variant Classification Scheme 2023. Collection method: clinical testing. Allele origin: germline.
Comment: The p.V1435M variant (also known as c.4303G>A), located in coding exon 4 of the PRX gene, results from a G to A substitution at nucleotide position 4303. The valine at codon 1435 is replaced by methionine, an amino acid with highly similar properties. This amino acid position is well conserved in available vertebrate species. In addition, this alteration is predicted to be tolerated by in silico analysis. Since supporting evidence is limited at this time, the clinical significance of this alteration remains unclear.